The following is an entry in ClinVar:

NM_020066.5(FMN2):c.3073C>T (p.Leu1025=)

Gene: FMN2 (formin 2; plus strand). Cytogenetic location: 1q43.
Variant type: single nucleotide variant.
Coding change: c.3073C>T on transcript NM_020066.5 (MANE Select); coding-DNA position 3073, C replaced by T.
Protein change: p.Leu1025=; no amino-acid change (leucine 1025 retained).
Molecular consequence: synonymous variant. On other transcripts: intron variant (1).
Genome position (GRCh38, 1-based): chr1:240,207,885, C>T. VCF-style: chr1-240207885-C-T. GRCh37 (hg19) VCF-style: chr1-240371185-C-T.
Other names: c.3085C>T, p.Leu1029= (NM_001305424.2); c.1986+19623C>T (NM_001348094.2).
Identifiers: ClinVar variation 3389021 (VCV003389021.14).

ClinVar aggregate classification (germline): Likely benign (1 of 4 stars; one submission).

Submission:

CeGaT Center for Human Genetics Tuebingen
Classification: Likely benign. Last evaluated: 2024-10-01. Review status: criteria provided, single submitter. Criteria: CeGaT Center For Human Genetics Tuebingen Variant Classification Criteria Version 2. Collection method: clinical testing. Allele origin: germline. Affected: yes. Observed: 1 variant allele.
Comment: FMN2: PM2:Supporting, BP4, BP7